The following is an entry in ClinVar:

NM_015205.3(ATP11A):c.376A>G (p.Asn126Asp)

Gene: ATP11A (ATPase phospholipid transporting 11A; plus strand). Cytogenetic location: 13q34.
Variant type: single nucleotide variant.
Coding change: c.376A>G on transcript NM_015205.3 (MANE Select); coding-DNA position 376, A replaced by G.
Protein change: p.Asn126Asp; replaces asparagine 126 with aspartic acid.
Molecular consequence: missense variant.
Genome position (GRCh38, 1-based): chr13:112,810,661, A>G. VCF-style: chr13-112810661-A-G. GRCh37 (hg19) VCF-style: chr13-113464975-A-G.
Other names: c.376A>G, p.Asn126Asp (NM_001405661.1, NM_001405662.1, NM_001405663.1 and 1 more transcripts); short protein forms N126D.
Identifiers: ClinVar variation 4882896 (VCV004882896.2).
Genomic context (GRCh38, chr13:112,810,661, plus strand): 5'-TTTCCTTCCTTTTTTTAGGGTTATGAAGACTGGCTTCGACATAAAGCAGACAATGCCATG[A>G]ACCAGTGTCCTGTTCATTTCATTCAGCACGGCAAGCTCGTTCGGAAACAAAGTCGAAAGC-3'
Protein context (NP_056020.2, residues 116-136): WLRHKADNAM[Asn126Asp]QCPVHFIQHG

ClinVar aggregate classification (germline): Uncertain significance (1 of 4 stars; one submission).

Submission:

Dasa
Classification: Uncertain significance. Last evaluated: 2025-02-07. Review status: criteria provided, single submitter. Criteria: DASA Assertion Criteria. Collection method: clinical testing. Allele origin: germline.
Comment: NM_015205.3(ATP11A):c.376A>G (p.Asn126Asp) is a missense variant that results in the substitution of asparagine with aspartic acid. This variant is absent from population databases. Computational prediction algorithms are consistent with a deleterious effect. The currently available literature and clinical evidence are not sufficient to establish a definitive association between this variant and the reported condition. Therefore, this variant is classified as a variant of uncertain significance.